The following is an entry in ClinVar:

ClinVar aggregate classification (germline): Uncertain significance (1 of 4 stars; one submission).

Conditions:
Familial adenomatous polyposis 2. Also called: FAP type 2; COLORECTAL ADENOMATOUS POLYPOSIS, AUTOSOMAL RECESSIVE; ADENOMAS, MULTIPLE COLORECTAL, AUTOSOMAL RECESSIVE; MYH-associated polyposis; Adenomas, multiple colorectal; MUTYH-associated polyposis. Identifiers: Orphanet 220460, Orphanet 247798, MedGen C3272841, MONDO:0012041, OMIM 608456.

Submission:

Labcorp Genetics (formerly Invitae), Labcorp
Classification: Uncertain significance for Familial adenomatous polyposis 2. Last evaluated: 2024-09-03. Review status: criteria provided, single submitter. Criteria: Invitae Variant Classification Sherloc (09022015). Collection method: clinical testing. Allele origin: germline.
Comment: This sequence change replaces leucine, which is neutral and non-polar, with proline, which is neutral and non-polar, at codon 389 of the MUTYH protein (p.Leu389Pro). This variant is not present in population databases (gnomAD no frequency). This variant has not been reported in the literature in individuals affected with MUTYH-related conditions. An algorithm developed to predict the effect of missense changes on protein structure and function (PolyPhen-2) suggests that this variant is likely to be disruptive. In summary, the available evidence is currently insufficient to determine the role of this variant in disease. Therefore, it has been classified as a Variant of Uncertain Significance.

NM_001048174.2(MUTYH):c.1082T>C (p.Leu361Pro)

Gene: MUTYH (mutY DNA glycosylase; minus strand). Cytogenetic location: 1p34.1.
Variant type: single nucleotide variant.
Coding change: c.1082T>C on transcript NM_001048174.2 (MANE Select); coding-DNA position 1082, T replaced by C.
Protein change: p.Leu361Pro; replaces leucine 361 with proline.
Molecular consequence: missense variant. On other transcripts: non-coding transcript variant (7).
Genome position (GRCh38, 1-based): chr1:45,331,681, A>G on the plus strand (T>C on the coding strand, the complement: MUTYH is on the minus strand). VCF-style: chr1-45331681-A-G. GRCh37 (hg19) VCF-style: chr1-45797353-A-G.
Other names: c.1082T>C, p.Leu361Pro (NM_001048171.2, NM_001048173.2, NM_001293195.2 and 6 more transcripts); c.1085T>C, p.Leu362Pro (NM_001048172.2, NM_001407071.1, NM_001407078.1 and 1 more transcripts); c.1166T>C, p.Leu389Pro (NM_001128425.2); c.1127T>C, p.Leu376Pro (NM_001293190.2); c.1115T>C, p.Leu372Pro (NM_001293191.2, NM_001407069.1, NM_001407077.1); c.806T>C, p.Leu269Pro (NM_001293192.2, NM_001293196.2, NM_001407091.1); c.737T>C, p.Leu246Pro (NM_001350650.2, NM_001350651.2, NM_001407082.1); c.998T>C, p.Leu333Pro (NM_001407075.1); and 5 more; short protein forms L347P, L362P, L376P, L269P, L348P, L361P, L368P, L375P.
Identifiers: ClinVar variation 3663989 (VCV003663989.2).